The following is an entry in ClinVar:

ClinVar aggregate classification (germline): Uncertain significance. Review status: criteria provided, multiple submitters, no conflicts (2 of 4 stars). 2 submissions from 2 submitters: Uncertain significance (2). Last evaluated 2025-05-11.

Allele frequency attached by ClinVar (database versions not stated): ExAC 0.00001; gnomAD exomes 0.00001; TOPMed 0.00001.

Submissions (2):

Labcorp Genetics (formerly Invitae), Labcorp
Classification: Uncertain significance. Last evaluated: 2025-05-11. Review status: criteria provided, single submitter. Criteria: Invitae Variant Classification Sherloc (09022015). Collection method: clinical testing. Allele origin: germline.
Comment: This sequence change replaces methionine, which is neutral and non-polar, with threonine, which is neutral and polar, at codon 1524 of the NYNRIN protein (p.Met1524Thr). This variant is present in population databases (rs758411500, gnomAD 0.0009%). This variant has not been reported in the literature in individuals affected with NYNRIN-related conditions. ClinVar contains an entry for this variant (Variation ID: 2608840). Experimental studies and prediction algorithms are not available or were not evaluated, and the functional significance of this variant is currently unknown. In summary, the available evidence is currently insufficient to determine the role of this variant in disease. Therefore, it has been classified as a Variant of Uncertain Significance.

Ambry Genetics
Classification: Uncertain significance. Last evaluated: 2023-06-29. Review status: criteria provided, single submitter. Criteria: Ambry Variant Classification Scheme 2023. Collection method: clinical testing. Allele origin: germline.

NM_025081.3(NYNRIN):c.4571T>C (p.Met1524Thr)

Gene: NYNRIN (NYN domain and retroviral integrase containing; plus strand). Cytogenetic location: 14q12.
Variant type: single nucleotide variant.
Coding change: c.4571T>C on transcript NM_025081.3 (MANE Select); coding-DNA position 4571, T replaced by C.
Protein change: p.Met1524Thr; replaces methionine 1524 with threonine.
Molecular consequence: missense variant.
Genome position (GRCh38, 1-based): chr14:24,416,320, T>C. VCF-style: chr14-24416320-T-C. GRCh37 (hg19) VCF-style: chr14-24885526-T-C.
Other names: short protein forms M1524T.
Identifiers: ClinVar variation 2608840 (VCV002608840.3), dbSNP rs758411500, ClinGen allele CA7137452.